The following is an entry in ClinVar:

ClinVar aggregate classification (germline): Uncertain significance (1 of 4 stars; one submission).

Submission:

CeGaT Center for Human Genetics Tuebingen
Classification: Uncertain significance. Last evaluated: 2023-02-01. Review status: criteria provided, single submitter. Criteria: CeGaT Center For Human Genetics Tuebingen Variant Classification Criteria Version 2. Collection method: clinical testing. Allele origin: germline. Affected: yes. Observed: 1 variant allele.
Comment: KLHL15: PM2, PP2, BP5

NM_030624.3(KLHL15):c.1244A>G (p.Asn415Ser)

Gene: KLHL15 (kelch like family member 15; minus strand). Cytogenetic location: Xp22.11.
Variant type: single nucleotide variant.
Coding change: c.1244A>G on transcript NM_030624.3 (MANE Select); coding-DNA position 1244, A replaced by G.
Protein change: p.Asn415Ser; replaces asparagine 415 with serine.
Molecular consequence: missense variant.
Genome position (GRCh38, 1-based): chrX:23,988,492, T>C on the plus strand (A>G on the coding strand, the complement: KLHL15 is on the minus strand). VCF-style: chrX-23988492-T-C. GRCh37 (hg19) VCF-style: chrX-24006609-T-C.
Other names: short protein forms N415S.
Identifiers: ClinVar variation 2499124 (VCV002499124.28), dbSNP rs2518904030, ClinGen allele CA412599850.
Genomic context (GRCh38, chrX:23,988,492, plus strand): 5'-GTGATTCCACCGGTGATAAACAATTTGTTATTGAGCACTGTCCCCTCATGTCCATATTTG[T>C]TAACTGGATAAGGATCCACAAATTCCCATTTATCGTTGGTGATGTCATATCTCTCAGTTG-3'
Protein context (NP_085127.2, residues 405-425): KWEFVDPYPV[Asn415Ser]KYGHEGTVLN